The following is an entry in ClinVar:

NM_201384.3(PLEC):c.8816G>A (p.Arg2939Gln)

Gene: PLEC (plectin; minus strand). Cytogenetic location: 8q24.3.
Variant type: single nucleotide variant.
Coding change: c.8816G>A on transcript NM_201384.3 (MANE Select); coding-DNA position 8816, G replaced by A.
Protein change: p.Arg2939Gln; replaces arginine 2939 with glutamine.
Molecular consequence: missense variant.
Genome position (GRCh38, 1-based): chr8:143,921,005, C>T on the plus strand (G>A on the coding strand, the complement: PLEC is on the minus strand). VCF-style: chr8-143921005-C-T. GRCh37 (hg19) VCF-style: chr8-144995173-C-T.
Other names: c.8897G>A, p.Arg2966Gln (NM_000445.5); c.8774G>A, p.Arg2925Gln (NM_201378.4); c.8750G>A, p.Arg2917Gln (NM_201379.3); c.9227G>A, p.Arg3076Gln (NM_201380.4); c.8720G>A, p.Arg2907Gln (NM_201381.3); c.8816G>A, p.Arg2939Gln (NM_201382.4); c.8828G>A, p.Arg2943Gln (NM_201383.3); c.8897G>A (NM_000445.3); short protein forms R2925Q, R2907Q, R2917Q, R2966Q, R3076Q, R2939Q, R2943Q.
Identifiers: ClinVar variation 281836 (VCV000281836.12), dbSNP rs375208309, ClinGen allele CA4925173.

ClinVar aggregate classification (germline): Uncertain significance. Review status: criteria provided, multiple submitters, no conflicts (2 of 4 stars). 3 submissions from 3 submitters: Uncertain significance (3). Last evaluated 2025-02-10.

Conditions:
Inborn genetic diseases. Identifiers: MedGen C0950123, MeSH D030342.
Epidermolysis bullosa simplex with nail dystrophy (EBS5D). Identifiers: MedGen C4225309, MONDO:0014661, OMIM 616487.
Epidermolysis bullosa simplex 5C, with pyloric atresia (EBS5C). Also called: PLEC-Related Epidermolysis Bullosa with Pyloric Atresia; Epidermolysis bullosa simplex with pyloric atresia; PLEC1-Related Epidermolysis Bullosa with Pyloric Atresia. Identifiers: Orphanet 158684, MedGen C2677349, MONDO:0012807, OMIM 612138.
Autosomal recessive limb-girdle muscular dystrophy type 2Q (LGMDR17). Also called: MUSCULAR DYSTROPHY, LIMB-GIRDLE, AUTOSOMAL RECESSIVE 17. Identifiers: Orphanet 254361, MedGen C3150989, MONDO:0013390, OMIM 613723.
Epidermolysis bullosa simplex 5B, with muscular dystrophy (EBS5B). Also called: EPIDERMOLYSIS BULLOSA SIMPLEX AND LIMB-GIRDLE MUSCULAR DYSTROPHY; Epidermolysis bullosa simplex with muscular dystrophy. Identifiers: Orphanet 257, MedGen C2931072, MONDO:0009181, OMIM 226670.
Epidermolysis bullosa simplex, Ogna type (EBS5A). Also called: Pidermolysis bullosa simplex 5A, Ogna type; EPIDERMOLYSIS BULLOSA SIMPLEX 5A, OGNA TYPE. Identifiers: Orphanet 79401, MedGen C0432317, MONDO:0007555, OMIM 131950.

Allele frequency attached by ClinVar (database versions not stated): TOPMed 0.00002; ExAC 0.00003; gnomAD 0.00003 and 0.00004; gnomAD exomes 0.00004 and 0.00009; ESP Exome Variant Server 0.00016.
gnomAD v4.1: 137 of 1,613,088 alleles (0.0085%); highest among the groups gnomAD compares: Non-Finnish European, 0.01%; no homozygotes.

Submissions (3):

Labcorp Genetics (formerly Invitae), Labcorp
Classification: Uncertain significance for Autosomal recessive limb-girdle muscular dystrophy type 2Q; Epidermolysis bullosa simplex, Ogna type; Epidermolysis bullosa simplex with nail dystrophy; Epidermolysis bullosa simplex 5C, with pyloric atresia; Epidermolysis bullosa simplex 5B, with muscular dystrophy. Last evaluated: 2025-02-10. Review status: criteria provided, single submitter. Criteria: Invitae Variant Classification Sherloc (09022015). Collection method: clinical testing. Allele origin: germline.
Comment: This sequence change replaces arginine, which is basic and polar, with glutamine, which is neutral and polar, at codon 2966 of the PLEC protein (p.Arg2966Gln). This variant is present in population databases (rs375208309, gnomAD 0.007%). This variant has not been reported in the literature in individuals affected with PLEC-related conditions. ClinVar contains an entry for this variant (Variation ID: 281836). An algorithm developed to predict the effect of missense changes on protein structure and function (PolyPhen-2) suggests that this variant is likely to be disruptive. In summary, the available evidence is currently insufficient to determine the role of this variant in disease. Therefore, it has been classified as a Variant of Uncertain Significance.

Ambry Genetics
Classification: Uncertain significance for Inborn genetic diseases. Last evaluated: 2025-02-06. Review status: criteria provided, single submitter. Criteria: Ambry Variant Classification Scheme 2023. Collection method: clinical testing. Allele origin: germline.

Eurofins Ntd Llc (ga)
Classification: Uncertain significance. Last evaluated: 2015-07-17. Review status: criteria provided, single submitter. Criteria: EGL Classification Definitions 2015. Collection method: clinical testing. Allele origin: germline. Observed: 1 variant allele, 1 heterozygote.